The following is an entry in ClinVar:

ClinVar aggregate classification (germline): Likely benign (0 of 4 stars; one submission).

Conditions:
ARHGDIA-related disorder. Also called: ARHGDIA-related condition.

Allele frequency attached by ClinVar (database versions not stated): gnomAD exomes below 0.00001.

Submission:

PreventionGenetics, part of Exact Sciences
Classification: Likely benign for ARHGDIA-related condition. Last evaluated: 2022-02-28. Review status: no assertion criteria provided. Collection method: clinical testing. Allele origin: germline.
Comment: This variant is classified as likely benign based on ACMG/AMP sequence variant interpretation guidelines (Richards et al. 2015 PMID: 25741868, with internal and published modifications).

NM_004309.6(ARHGDIA):c.111G>A (p.Glu37=)

Genes: ARHGDIA (Rho GDP dissociation inhibitor alpha; minus strand), LOC130061974 (ATAC-STARR-seq lymphoblastoid active region 12981; plus strand). Cytogenetic location: 17q25.3.
Variant type: single nucleotide variant.
Coding change: c.111G>A on transcript NM_004309.6 (MANE Select); coding-DNA position 111, G replaced by A.
Protein change: p.Glu37=; no amino-acid change (glutamic acid 37 retained).
Molecular consequence: synonymous variant. On other transcripts: non-coding transcript variant (1).
Genome position (GRCh38, 1-based): chr17:81,869,820, C>T on the plus strand (G>A on the coding strand, the complement: ARHGDIA is on the minus strand). VCF-style: chr17-81869820-C-T. GRCh37 (hg19) VCF-style: chr17-79827696-C-T.
Other names: c.111G>A, p.Glu37= (NM_001185077.3, NM_001185078.3, NM_001301240.2 and 3 more transcripts).
Identifiers: ClinVar variation 3045721 (VCV003045721.2), dbSNP rs2509976594, ClinGen allele CA502319146.